The following is an entry in ClinVar:

NM_020366.4(RPGRIP1):c.2024del (p.Leu675fs)

Gene: RPGRIP1 (RPGR interacting protein 1; plus strand). Cytogenetic location: 14q11.2.
Variant type: Deletion.
Coding change: c.2024del on transcript NM_020366.4 (MANE Select); coding-DNA position 2024, one base deleted (T; older notation c.2024delT).
Protein change: p.Leu675fs; shifts the reading frame from leucine 675.
Molecular consequence: frameshift variant. On other transcripts: intron variant (4).
Genome position (GRCh38, 1-based): chr14:21,324,879, T deleted. VCF-style (leftmost placement, unchanged base first): chr14-21324878-CT-C. GRCh37 (hg19) VCF-style: chr14-21793037-CT-C.
Other names: c.950del, p.Leu317fs (NM_001377948.1); c.796+154del (NM_001377949.1); c.689-2744del (NM_001377523.1, NM_001377950.1); c.191-2744del (NM_001377951.1); short protein forms L675fs, L317fs.
Identifiers: ClinVar variation 1369938 (VCV001369938.6), dbSNP rs2139228423, ClinGen allele CA2573149731.
Genomic context (GRCh38, chr14:21,324,878, plus strand): 5'-ACCTATTCCTTCTATGACTTTGAAACCCACTGTACCCCATTATCTGTGGGGCCACAGCCC[CT>C]CTATGACTTCACCTCCCAGTATGTGATGGAGACAGATTCGCTTTTCTTACACTACCTTCA-3'

ClinVar aggregate classification (germline): Pathogenic (1 of 4 stars; one submission).

Conditions:
Cone-rod dystrophy 13 (CORD13). Identifiers: Orphanet 1872, MedGen C2750720, MONDO:0011987, OMIM 608194.
Leber congenital amaurosis 6 (LCA6). Identifiers: Orphanet 65, MedGen C1854260, MONDO:0013446, OMIM 613826.

Submission:

Labcorp Genetics (formerly Invitae), Labcorp
Classification: Pathogenic for Leber congenital amaurosis 6; Cone-rod dystrophy 13. Last evaluated: 2023-11-13. Review status: criteria provided, single submitter. Criteria: Invitae Variant Classification Sherloc (09022015). Collection method: clinical testing. Allele origin: germline.
Comment: This sequence change creates a premature translational stop signal (p.Leu675Profs*9) in the RPGRIP1 gene. It is expected to result in an absent or disrupted protein product. Loss-of-function variants in RPGRIP1 are known to be pathogenic (PMID: 11528500, 23105016). This variant is not present in population databases (gnomAD no frequency). This variant has not been reported in the literature in individuals affected with RPGRIP1-related conditions. ClinVar contains an entry for this variant (Variation ID: 1369938). For these reasons, this variant has been classified as Pathogenic.

Literature cited by the submitters: PubMed 11528500; PubMed 23105016.